The following is an entry in ClinVar:

NM_000228.3(LAMB3):c.519C>A (p.Cys173Ter)

Gene: LAMB3 (laminin subunit beta 3; minus strand). Cytogenetic location: 1q32.2.
Variant type: single nucleotide variant.
Coding change: c.519C>A on transcript NM_000228.3 (MANE Select); coding-DNA position 519, C replaced by A.
Protein change: p.Cys173Ter; replaces cysteine 173 with a stop codon.
Molecular consequence: nonsense.
Genome position (GRCh38, 1-based): chr1:209,634,492, G>T on the plus strand (C>A on the coding strand, the complement: LAMB3 is on the minus strand). VCF-style: chr1-209634492-G-T. GRCh37 (hg19) VCF-style: chr1-209807837-G-T.
Other names: c.519C>A, p.Cys173Ter (NM_001017402.2, NM_001127641.1); short protein forms C173*.
Identifiers: ClinVar variation 984221 (VCV000984221.3), dbSNP rs1666819553, ClinGen allele CA344595766.
Genomic context (GRCh38, chr1:209,634,492, plus strand): 5'-ATTCCCTCTACCTACCTTCCCCCCATTTAGGCGTGCATTAGGCCTCTGAGGCAGGGACTG[G>T]CACCGAACATCCTGCCAGCTCTGAGGCCGACCCTGGCGGACCCGAGGGAAGGTGGAGGTG-3'

ClinVar aggregate classification (germline): Likely pathogenic (1 of 4 stars; one submission).

Conditions:
Junctional epidermolysis bullosa gravis of Herlitz. Also called: Herlitz-type junctional epidermolysis bullosa; Epidermolysis Bullosa Letalis; EPIDERMOLYSIS BULLOSA, JUNCTIONAL 1B, SEVERE; EPIDERMOLYSIS BULLOSA JUNCTIONALIS, HERLITZ TYPE; EPIDERMOLYSIS BULLOSA, JUNCTIONAL, HERLITZ-PEARSON TYPE; JEB-HERLITZ TYPE. Identifiers: Orphanet 79404, MedGen C0079683, MONDO:0009182, OMIM 226700.

Submission:

Myriad Genetics, Inc.
Classification: Likely pathogenic for Junctional epidermolysis bullosa gravis of Herlitz. Last evaluated: 2020-01-10. Review status: criteria provided, single submitter. Criteria: Myriad Women's Health Autosomal Recessive and X-Linked Classification Criteria (2019). Collection method: clinical testing. Allele origin: unknown.
Comment: NM_000228.2(LAMB3):c.519C>A(C173*) is expected to be pathogenic in the context of Herlitz junctional epidermolysis bullosa, LAMB3-related. This variant is predicted to lead to an abnormal or absent protein product due to the creation of a premature termination codon in LAMB3, a gene where loss-of-function variants are known to be pathogenic. Please note: this variant was assessed in the context of healthy population screening.